The following is an entry in ClinVar:

NM_007315.4(STAT1):c.640G>T (p.Val214Phe)

Gene: STAT1 (signal transducer and activator of transcription 1; minus strand). Cytogenetic location: 2q32.2.
Variant type: single nucleotide variant.
Coding change: c.640G>T on transcript NM_007315.4 (MANE Select); coding-DNA position 640, G replaced by T.
Protein change: p.Val214Phe; replaces valine 214 with phenylalanine.
Molecular consequence: missense variant.
Genome position (GRCh38, 1-based): chr2:190,998,001, C>A on the plus strand (G>T on the coding strand, the complement: STAT1 is on the minus strand). VCF-style: chr2-190998001-C-A. GRCh37 (hg19) VCF-style: chr2-191862727-C-A.
Other names: c.640G>T, p.Val214Phe (NM_001384880.1, NM_001384882.1, NM_001384885.1 and 6 more transcripts); c.646G>T, p.Val216Phe (NM_001384881.1, NM_001384884.1); c.541G>T, p.Val181Phe (NM_001384883.1); c.550G>T, p.Val184Phe (NM_001384890.1); c.676G>T, p.Val226Phe (NM_001384891.1); short protein forms V181F, V184F, V214F, V216F, V226F.
Identifiers: ClinVar variation 5016508 (VCV005016508.1).

ClinVar aggregate classification (germline): Likely pathogenic (1 of 4 stars; one submission).

Conditions:
Autoimmune enteropathy and endocrinopathy - susceptibility to chronic infections syndrome. Also called: Immunodeficiency 31C, autosomal dominant; Immunodeficiency 31C. Identifiers: Orphanet 391487, MedGen C3279990, MONDO:0013599, OMIM 614162.

Submission:

Laboratório de Alta Complexidade, Instituto Fernandes Figueira - FIOCRUZ
Classification: Likely pathogenic for Autoimmune enteropathy and endocrinopathy - susceptibility to chronic infections syndrome. Last evaluated: 2026-09-08. Review status: criteria provided, single submitter. Criteria: ACMG Guidelines, 2015. Collection method: clinical testing. Allele origin: germline. Inheritance: Autosomal dominant inheritance. Affected: yes.
Comment: The variant was classified as likely pathogenic based on the application of the following criteria: PS3_mod (the variant was functionally evaluated in STAT1-deficient U3C cells. Expression of p.Val214Phe resulted in increased STAT1 phosphorylation following IFN-γ stimulation compared with wild-type STAT1, with a pattern similar to the established gain-of-function control p.T385M. In addition, a GAS-luciferase reporter assay demonstrated increased IFN-γ-induced transcriptional activity, supporting a gain-of-function effect; PMID: 38758476), PM2_sup, PM6_sup (the variant was identified as de novo in two unrelated affected individuals, one reported in the literature and one from internal data; PMID: 38758476. The phenotype was consistent with STAT1 gain-of-function disease, although not highly specific), PP2 (missense constraint z-score: 5.15), and PS4_sup (the variant has been reported in an affected individual in the literature [PMID: 38758476] and is absent from gnomAD).

Literature cited by the submitters: PubMed 38758476.